The following is an entry in ClinVar:

NM_001457.4(FLNB):c.5379C>T (p.Val1793=)

Gene: FLNB (filamin B; plus strand). Cytogenetic location: 3p14.3.
Variant type: single nucleotide variant.
Coding change: c.5379C>T on transcript NM_001457.4 (MANE Select); coding-DNA position 5379, C replaced by T.
Protein change: p.Val1793=; no amino-acid change (valine 1793 retained).
Molecular consequence: synonymous variant.
Genome position (GRCh38, 1-based): chr3:58,143,567, C>T. VCF-style: chr3-58143567-C-T. GRCh37 (hg19) VCF-style: chr3-58129294-C-T.
Other names: c.5472C>T, p.Val1824= (NM_001164317.2); c.5346C>T, p.Val1782= (NM_001164318.2); c.5307C>T, p.Val1769= (NM_001164319.2).
Identifiers: ClinVar variation 1702420 (VCV001702420.19), dbSNP rs2097330797, ClinGen allele CA434041932.

ClinVar aggregate classification (germline): Conflicting classifications of pathogenicity. Review status: criteria provided, conflicting classifications (1 of 4 stars). 3 submissions from 3 submitters: Uncertain significance (1); Likely benign (2). Last evaluated 2024-10-01.

Conditions:
Connective tissue disorder. Also called: Connective tissue disease. Identifiers: MedGen C0009782, MONDO:0003900.

Allele frequency attached by ClinVar (database versions not stated): TOPMed below 0.00001; gnomAD exomes 0.00001.
gnomAD v4.1: 18 of 1,614,138 alleles (0.0011%); highest among the groups gnomAD compares: Non-Finnish European, 0.0014%; no homozygotes.

Submissions (3):

CeGaT Center for Human Genetics Tuebingen
Classification: Likely benign. Last evaluated: 2024-10-01. Review status: criteria provided, single submitter. Criteria: CeGaT Center For Human Genetics Tuebingen Variant Classification Criteria Version 2. Collection method: clinical testing. Allele origin: germline. Affected: yes. Observed: 1 variant allele.
Comment: FLNB: BP4, BP7

Labcorp Genetics (formerly Invitae), Labcorp
Classification: Likely benign. Last evaluated: 2024-02-05. Review status: criteria provided, single submitter. Criteria: Invitae Variant Classification Sherloc (09022015). Collection method: clinical testing. Allele origin: germline.

Genome Diagnostics Laboratory, The Hospital for Sick Children
Classification: Uncertain significance for Connective tissue disorder. Last evaluated: 2020-08-10. Review status: criteria provided, single submitter. Criteria: ACMG Guidelines, 2015. Collection method: clinical testing. Allele origin: germline.